The following is an entry in ClinVar:

ClinVar aggregate classification (germline): Uncertain significance (1 of 4 stars; one submission).

Allele frequency attached by ClinVar (database versions not stated): gnomAD exomes below 0.00001.
gnomAD v4.1: 1 of 1,613,974 alleles (0.000062%); highest among the groups gnomAD compares: Non-Finnish European, 0.000085%; no homozygotes.

Submission:

Labcorp Genetics (formerly Invitae), Labcorp
Classification: Uncertain significance. Last evaluated: 2022-04-03. Review status: criteria provided, single submitter. Criteria: Invitae Variant Classification Sherloc (09022015). Collection method: clinical testing. Allele origin: germline.
Comment: This sequence change replaces leucine, which is neutral and non-polar, with phenylalanine, which is neutral and non-polar, at codon 2996 of the SZT2 protein (p.Leu2996Phe). This variant is not present in population databases (gnomAD no frequency). This variant has not been reported in the literature in individuals affected with SZT2-related conditions. Algorithms developed to predict the effect of missense changes on protein structure and function are either unavailable or do not agree on the potential impact of this missense change (SIFT: "Deleterious"; PolyPhen-2: "Probably Damaging"; Align-GVGD: "Class C15"). In summary, the available evidence is currently insufficient to determine the role of this variant in disease. Therefore, it has been classified as a Variant of Uncertain Significance.

NM_001365999.1(SZT2):c.9157C>T (p.Leu3053Phe)

Gene: SZT2 (SZT2 subunit of KICSTOR complex; plus strand). Cytogenetic location: 1p34.2.
Variant type: single nucleotide variant.
Coding change: c.9157C>T on transcript NM_001365999.1 (MANE Select); coding-DNA position 9157, C replaced by T.
Protein change: p.Leu3053Phe; replaces leucine 3053 with phenylalanine.
Molecular consequence: missense variant.
Genome position (GRCh38, 1-based): chr1:43,447,039, C>T. VCF-style: chr1-43447039-C-T. GRCh37 (hg19) VCF-style: chr1-43912710-C-T.
Other names: c.8986C>T, p.Leu2996Phe (NM_015284.4); c.598C>T, p.Leu200Phe (NM_024547.1); short protein forms L2996F, L3053F, L200F.
Identifiers: ClinVar variation 1926545 (VCV001926545.5), dbSNP rs2545865582, ClinGen allele CA340042394.
Genomic context (GRCh38, chr1:43,447,039, plus strand): 5'-TGTGACAAGGTGCGGGACCTGATGCACGTGCACTCGTTCAGCTATGACTTCCATCTGCGC[C>T]TCGTGCATCAGCACGTGCTAGGTGCCCATCTGGTGCTGCGGCACGGCTACCACCTCACCA-3'
Protein context (NP_001352928.1, residues 3043-3063): HSFSYDFHLR[Leu3053Phe]VHQHVLGAHL